The following is an entry in ClinVar:

ClinVar aggregate classification (germline): Likely benign (1 of 4 stars; one submission).

Submission:

CeGaT Center for Human Genetics Tuebingen
Classification: Likely benign. Last evaluated: 2026-04-01. Review status: criteria provided, single submitter. Criteria: CeGaT Center For Human Genetics Tuebingen Variant Classification Criteria Version 2. Collection method: clinical testing. Allele origin: germline. Affected: yes. Observed: 1 variant allele.
Comment: BICC1: BP4, BP7

NM_001080512.3(BICC1):c.1383C>T (p.Thr461=)

Gene: BICC1 (BicC family RNA binding protein 1; plus strand). Cytogenetic location: 10q21.1.
Variant type: single nucleotide variant.
Coding change: c.1383C>T on transcript NM_001080512.3 (MANE Select); coding-DNA position 1383, C replaced by T.
Protein change: p.Thr461=; no amino-acid change (threonine 461 retained).
Molecular consequence: synonymous variant.
Genome position (GRCh38, 1-based): chr10:58,798,415, C>T. VCF-style: chr10-58798415-C-T. GRCh37 (hg19) VCF-style: chr10-60558175-C-T.
Identifiers: ClinVar variation 4874474 (VCV004874474.2).
Genomic context (GRCh38, chr10:58,798,415, plus strand): 5'-TCTTAAATTTATGTGAATTGACTTTATATATTCATTTATTACAGGTCTTTTGGGACCCAC[C>T]ACCTTATCTCTGAACACTTCAACAACCCCAAACTCACTCTTGAATGCTCTTAATAGCTCA-3'
Protein context (NP_001073981.1, residues 451-471): GLTGLGLLGP[Thr461=]TLSLNTSTTP